The following is an entry in ClinVar:

NM_003823.4(TNFRSF6B):c.275A>G (p.Asn92Ser)

Genes: RTEL1-TNFRSF6B (RTEL1-TNFRSF6B readthrough (NMD candidate); plus strand), TNFRSF6B (TNF receptor superfamily member 6b; plus strand). Cytogenetic location: 20q13.33.
Variant type: single nucleotide variant.
Coding change: c.275A>G on transcript NM_003823.4 (MANE Select); coding-DNA position 275, A replaced by G.
Protein change: p.Asn92Ser; replaces asparagine 92 with serine.
Molecular consequence: missense variant. On other transcripts: non-coding transcript variant (1).
Genome position (GRCh38, 1-based): chr20:63,697,042, A>G. VCF-style: chr20-63697042-A-G. GRCh37 (hg19) VCF-style: chr20-62328395-A-G.
Other names: c.275A>G (NM_003823.3); short protein forms N92S.
Identifiers: ClinVar variation 2167002 (VCV002167002.5), dbSNP rs780254251, ClinGen allele CA9966389.
Genomic context (GRCh38, chr20:63,697,042, plus strand): 5'-CGTGTCCACCGCGCCACTACACGCAGTTCTGGAACTACCTAGAGCGCTGCCGCTACTGCA[A>G]CGTCCTCTGCGGGGAGCGTGAGGAGGAGGCACGGGCTTGCCACGCCACCCACAACCGTGC-3'
Protein context (NP_003814.1, residues 82-102): WNYLERCRYC[Asn92Ser]VLCGEREEEA

ClinVar aggregate classification (germline): Uncertain significance. Review status: criteria provided, multiple submitters, no conflicts (2 of 4 stars). 2 submissions from 2 submitters: Uncertain significance (2). Last evaluated 2025-12-16.

Allele frequency attached by ClinVar (database versions not stated): ExAC 0.00001; gnomAD 0.00001; TOPMed 0.00001.
gnomAD v4.1: 10 of 1,607,400 alleles (0.00062%); highest among the groups gnomAD compares: East Asian, 0.0045%; no homozygotes.

Submissions (2):

Labcorp Genetics (formerly Invitae), Labcorp
Classification: Uncertain significance. Last evaluated: 2025-12-16. Review status: criteria provided, single submitter. Criteria: Invitae Variant Classification Sherloc (09022015). Collection method: clinical testing. Allele origin: germline.
Comment: This sequence change replaces asparagine, which is neutral and polar, with serine, which is neutral and polar, at codon 92 of the TNFRSF6B protein (p.Asn92Ser). This variant is present in population databases (rs780254251, gnomAD 0.003%). This variant has not been reported in the literature in individuals affected with TNFRSF6B-related conditions. ClinVar contains an entry for this variant (Variation ID: 2167002). An algorithm developed to predict the effect of missense changes on protein structure and function outputs the following: PolyPhen-2: "Probably Damaging". The serine amino acid residue is found in multiple mammalian species, which suggests that this missense change does not adversely affect protein function. In summary, the available evidence is currently insufficient to determine the role of this variant in disease. Therefore, it has been classified as a Variant of Uncertain Significance.

Ambry Genetics
Classification: Uncertain significance. Last evaluated: 2025-05-19. Review status: criteria provided, single submitter. Criteria: Ambry Variant Classification Scheme 2023. Collection method: clinical testing. Allele origin: germline.